The following is an entry in ClinVar:

ClinVar aggregate classification (germline): Uncertain significance (1 of 4 stars; one submission).

Conditions:
Neurodevelopmental disorder. Identifiers: MedGen C1535926, MeSH D065886, MONDO:0700092.

Submission:

Victorian Clinical Genetics Services, Murdoch Childrens Research Institute
Classification: Uncertain significance for Neurodevelopmental disorder. Last evaluated: 2025-10-08. Review status: criteria provided, single submitter. Criteria: ACMG Guidelines, 2015. Collection method: clinical testing. Allele origin: germline. Affected: yes.
Comment: This variant is classified as VUS-3A. Evidence in support of pathogenic classification: Variant is absent from gnomAD (v2, v3 and v4); Additional information: Variant is predicted to result in a missense amino acid change from Leu to Val; This variant is heterozygous; This gene is associated with autosomal dominant disease; This variant has no previous evidence of pathogenicity; No published evidence of segregation with disease has been identified for this variant; No published functional evidence has been identified for this variant; No comparable missense variants have previous evidence for pathogenicity; Variant is located in the annotated CAF1B/HIR1 beta-propeller domain (DECIPHER); Missense variant with inconclusive in silico prediction and uninformative conservation; Loss of function is a known mechanism of disease in this gene and is associated with neurodevelopmental disorder (MONDO:0700092), HIRA-related (PMIDs: 33417013, 38511226, 25363760).

Literature cited by the submitters: PubMed 38511226; PubMed 33417013; PubMed 25363760.

NM_003325.4(HIRA):c.277C>G (p.Leu93Val)

Gene: HIRA (histone cell cycle regulator; minus strand). Cytogenetic location: 22q11.21.
Variant type: single nucleotide variant.
Coding change: c.277C>G on transcript NM_003325.4 (MANE Select); coding-DNA position 277, C replaced by G.
Protein change: p.Leu93Val; replaces leucine 93 with valine.
Molecular consequence: missense variant.
Genome position (GRCh38, 1-based): chr22:19,407,209, G>C on the plus strand (C>G on the coding strand, the complement: HIRA is on the minus strand). VCF-style: chr22-19407209-G-C. GRCh37 (hg19) VCF-style: chr22-19394732-G-C.
Other names: short protein forms L93V.
Identifiers: ClinVar variation 4531815 (VCV004531815.1).
Genomic context (GRCh38, chr22:19,407,209, plus strand): 5'-AAAATAAAATGTGAAGAAAGGAAAATGATGCTTACGTAGCCCGCTTCCACACCATAATCA[G>C]TTTGTCATCTCCCCCAGAAGCTAAATACATCCCACTGTTTGACCACCGCACACAGTTCAC-3'
Protein context (NP_003316.3, residues 83-103): MYLASGGDDK[Leu93Val]IMVWKRATYI